The following is an entry in ClinVar:

NM_001103.4(ACTN2):c.826A>G (p.Asn276Asp)

Gene: ACTN2 (actinin alpha 2; plus strand). Cytogenetic location: 1q43.
Variant type: single nucleotide variant.
Coding change: c.826A>G on transcript NM_001103.4 (MANE Select); coding-DNA position 826, A replaced by G.
Protein change: p.Asn276Asp; replaces asparagine 276 with aspartic acid.
Molecular consequence: missense variant.
Genome position (GRCh38, 1-based): chr1:236,737,164, A>G. VCF-style: chr1-236737164-A-G. GRCh37 (hg19) VCF-style: chr1-236900464-A-G.
Other names: c.826A>G, p.Asn276Asp (NM_001278343.2); c.202A>G, p.Asn68Asp (NM_001278344.2); short protein forms N276D, N68D.
Identifiers: ClinVar variation 228436 (VCV000228436.13), dbSNP rs876657743, ClinGen allele CA10576393.

ClinVar aggregate classification (germline): Uncertain significance. Review status: criteria provided, multiple submitters, no conflicts (2 of 4 stars). 2 submissions from 2 submitters: Uncertain significance (2). Last evaluated 2022-08-22.

Conditions:
Primary familial hypertrophic cardiomyopathy (HCM). Identifiers: Orphanet 99739, MedGen C0949658, MeSH D024741, MONDO:0024573. Inheritance: Various modes of inheritance.
Dilated cardiomyopathy 1AA (CMD1AA). Also called: Cardiomyopathy, dilated, 1AA, with or without LVNC; CARDIOMYOPATHY, DILATED, 1AA, WITH OR WITHOUT LEFT VENTRICULAR NONCOMPACTION; CARDIOMYOPATHY, FAMILIAL HYPERTROPHIC, 23, WITH OR WITHOUT LEFT VENTRICULAR NONCOMPACTION. Identifiers: Orphanet 154, MedGen C2677338, MONDO:0012808, OMIM 612158.

Submissions (2):

Labcorp Genetics (formerly Invitae), Labcorp
Classification: Uncertain significance for Primary familial hypertrophic cardiomyopathy; Dilated cardiomyopathy 1AA. Last evaluated: 2022-08-22. Review status: criteria provided, single submitter. Criteria: Invitae Variant Classification Sherloc (09022015). Collection method: clinical testing. Allele origin: germline.
Comment: In summary, the available evidence is currently insufficient to determine the role of this variant in disease. Therefore, it has been classified as a Variant of Uncertain Significance. Advanced modeling of protein sequence and biophysical properties (such as structural, functional, and spatial information, amino acid conservation, physicochemical variation, residue mobility, and thermodynamic stability) performed at Invitae indicates that this missense variant is not expected to disrupt ACTN2 protein function. ClinVar contains an entry for this variant (Variation ID: 228436). This variant has not been reported in the literature in individuals affected with ACTN2-related conditions. This variant is not present in population databases (gnomAD no frequency). This sequence change replaces asparagine, which is neutral and polar, with aspartic acid, which is acidic and polar, at codon 276 of the ACTN2 protein (p.Asn276Asp).

Laboratory for Molecular Medicine, Mass General Brigham Personalized Medicine
Classification: Uncertain significance. Last evaluated: 2016-01-14. Review status: criteria provided, single submitter. Criteria: LMM Criteria. Collection method: clinical testing. Allele origin: germline. Observed: 1 variant allele.
Comment: The p.Asn276Asp variant in ACTN2 has not been previously reported in individuals with cardiomyopathy and was absent from large population studies. Computational prediction tools and conservation analysis suggest that this variant may impact the protein, though this information is not predictive enough to determine path ogenicity. In summary, the clinical significance of the p.Asn276Asp variant is uncertain.